The following is an entry in ClinVar:

NM_000492.4(CFTR):c.3368-140A>C

Genes: CFTR (CF transmembrane conductance regulator; plus strand), CFTR-AS2 (CFTR antisense RNA 2; minus strand). Cytogenetic location: 7q31.2.
Variant type: single nucleotide variant.
Coding change: c.3368-140A>C on transcript NM_000492.4 (MANE Select); 140 bases into the intron before coding-DNA position 3368, A replaced by C.
Molecular consequence: intron variant.
Genome position (GRCh38, 1-based): chr7:117,614,473, A>C. VCF-style: chr7-117614473-A-C. GRCh37 (hg19) VCF-style: chr7-117254527-A-C.
Identifiers: ClinVar variation 818092 (VCV000818092.4), dbSNP rs213981, ClinGen allele CA12546346.

ClinVar aggregate classification (germline): Benign. Review status: criteria provided, multiple submitters, no conflicts (2 of 4 stars). 3 submissions from 3 submitters: Benign (3). Last evaluated 2018-06-21.

Conditions:
Cystic fibrosis (CF). Also called: MUCOVISCIDOSIS. Identifiers: Orphanet 586, MedGen C0010674, MONDO:0009061, OMIM 219700. Disease mechanism: loss of function.

Allele frequency attached by ClinVar (database versions not stated): TOPMed 0.17916; 1000 Genomes Project 0.14876; 1000 Genomes Project 30x 0.15006; gnomAD 0.18857 and 0.19089.
gnomAD v4.1: 128,753 of 679,836 alleles (19%); highest among the groups gnomAD compares: South Asian, 22%; 13,332 homozygotes.

Submissions (3):

GeneDx
Classification: Benign. Last evaluated: 2018-06-21. Review status: criteria provided, single submitter. Criteria: GeneDx Variant Classification Process June 2021. Collection method: clinical testing. Allele origin: germline. Affected: yes.

CFTR-France
Classification: Benign for cystic fibrosis. Last evaluated: 2018-01-29. Review status: criteria provided, single submitter. Criteria: Claustres M et al. (Hum Mutat 2017). Collection method: curation. Allele origin: germline. Affected: no.
Comment: the variant does not result in CFTR-RD neither

Breakthrough Genomics
Classification: Benign. Review status: criteria provided, single submitter. Criteria: ACMG Guidelines, 2015. Collection method: not provided. Allele origin: germline. Inheritance: Autosomal recessive inheritance. Affected: yes.